The following is an entry in ClinVar:

NM_014697.3(NOS1AP):c.40C>A (p.His14Asn)

Gene: NOS1AP (nitric oxide synthase 1 adaptor protein; plus strand). Cytogenetic location: 1q23.3.
Variant type: single nucleotide variant.
Coding change: c.40C>A on transcript NM_014697.3 (MANE Select); coding-DNA position 40, C replaced by A.
Protein change: p.His14Asn; replaces histidine 14 with asparagine.
Molecular consequence: missense variant.
Genome position (GRCh38, 1-based): chr1:162,070,217, C>A. VCF-style: chr1-162070217-C-A. GRCh37 (hg19) VCF-style: chr1-162040007-C-A.
Other names: c.40C>A, p.His14Asn (NM_001164757.2); short protein forms H14N.
Identifiers: ClinVar variation 496429 (VCV000496429.1), dbSNP rs1553253970, ClinGen allele CA343464774.

ClinVar aggregate classification (germline): Uncertain significance (1 of 4 stars; one submission).

Submission:

Women's Health and Genetics/Laboratory Corporation of America, LabCorp
Classification: Uncertain significance. Last evaluated: 2017-03-13. Review status: criteria provided, single submitter. Criteria: LabCorp Variant Classification Summary - May 2015. Collection method: clinical testing. Allele origin: germline.
Comment: Variant summary: : The NOS1AP c.40C>A (p.His14Asn) variant involves the alteration of a conserved nucleotide and is predicted to be benign by 3/4 in silico tools (SNPs&GO not captured due to low reliability index). This variant is absent in 120760 control chromosomes from ExAC. The variant of interest has not, to our knowledge, been reported in affected individuals via publications and/or reputable databases/clinical diagnostic laboratories; nor evaluated for functional impact by in vivo/vitro studies. Because of the absence of clinical information and the lack of functional studies, the variant is classified as a variant of uncertain significance (VUS) until additional information becomes available.